The following continues an entry in ClinVar:

NM_017780.4(CHD7):c.5405-7G>A

Gene: CHD7. ClinVar aggregate classification (germline): Pathogenic. Pathogenic (20).

Submissions 14 to 22 of 22:

Women's Health and Genetics/Laboratory Corporation of America, LabCorp
Classification: Pathogenic for CHARGE association. Last evaluated: 2018-12-11. Review status: criteria provided, single submitter. Criteria: LabCorp Variant Classification Summary - May 2015. Collection method: clinical testing. Allele origin: germline.
Comment: Variant summary: CHD7 c.5405-7G>A alters a conserved nucleotide located close to a canonical splice site and therefore could affect mRNA splicing, leading to a significantly altered protein sequence. One computational tool predicts that the variant creates a cryptic 3 acceptor site. Two independent mini-gene assays confirm the impact on splicing, specificaly the introduction of a 5-bp intronic sequence by activation of a cryptic acceptor site leading to a frameshift mutation (Legendre_2018, Song_2011). The variant was absent in 275496 control chromosomes (gnomAD). The variant, c.5405-7G>A, has been reported in the literature in multiple individuals affected with CHARGE Syndrome (Vissers_2004, Bilan_2012, Janssen_2012, Song_2011, Legendre_2018). These data indicate that the variant is very likely to be associated with disease. Six clinical diagnostic laboratories have submitted clinical-significance assessments for this variant to ClinVar after 2014 without evidence for independent evaluation. All laboratories classified the variant as pathogenic. Based on the evidence outlined above, the variant was classified as pathogenic.

Broad Center for Mendelian Genomics, Broad Institute of MIT and Harvard
Classification: Pathogenic for Hypogonadotropic hypogonadism 5 with or without anosmia. Last evaluated: 2018-12-03. Review status: criteria provided, single submitter. Criteria: ACMG Guidelines, 2015. Collection method: research. Allele origin: de novo. Inheritance: Autosomal dominant inheritance. Affected: yes.
Comment: Trio exome analysis showed this variant to be de novo and there are multiple reports of de novo inheritance in the literature (PMID: 15300250, 22033296). This variant was absent from large population studies and has been reported in ClinVar (Variation ID: 95795). In vitro functional studies provide some evidence that the c.5405-7G>A variant may impact protein function by causing a five base pair insertion during in vitro splicing (PMID: 21931733). However, these types of assays may not accurately represent biological function. In summary, the c.5405-7G>A variant is pathogenic based off of our findings and multiple de novo reports in the literature. ACMG/AMP Criteria applied: PM2, PS2, PM6_Strong, PS3_Moderate (Richards 2015).

Institute of Human Genetics Munich, TUM University Hospital
Classification: Pathogenic for CHD7-related CHARGE syndrome. Last evaluated: 2017-09-08. Review status: criteria provided, single submitter. Criteria: Classification criteria August 2017. Collection method: clinical testing. Allele origin: de novo. Inheritance: Autosomal dominant inheritance. Affected: yes. Observed: 1 heterozygote.

Laboratoire de Genetique Biologique, CHU de Poitiers
Classification: Pathogenic for CHD7-related CHARGE syndrome. Last evaluated: 2017-05-05. Review status: criteria provided, single submitter. Criteria: ACMG Guidelines, 2015. Collection method: in vitro. Allele origin: not applicable. Inheritance: Autosomal dominant inheritance.
Comment: found de novo on several CHARGE syndrome patients. Minigene assays confirm the use of a new acceptor splice site leading to frameshift in exon 26

Centre of Medical Genetics, University Hospital Muenster
Classification: Pathogenic for CHD7-related CHARGE syndrome. Last evaluated: 2016-12-20. Review status: criteria provided, single submitter. Criteria: ACMG Guidelines, 2015. Collection method: clinical testing. Allele origin: de novo. Affected: yes. Observed: 1 variant allele, 1 heterozygote.
Comment: ACMG categories: PS2,PS3,PM2,PP3,PP4,PP5

Genomic Diagnostic Laboratory, Division of Genomic Diagnostics, Children's Hospital of Philadelphia
Classification: Pathogenic for CHARGE syndrome. Last evaluated: 2016-09-05. Review status: criteria provided, single submitter. Criteria: DGD Variant Analysis Guidelines. Collection method: clinical testing. Allele origin: germline. Affected: yes. Observed: 3 variant alleles.
Comment: Clinical Testing

Eurofins Ntd Llc (ga)
Classification: Pathogenic. Last evaluated: 2015-01-12. Review status: criteria provided, single submitter. Criteria: EGL Classification Definitions. Collection method: clinical testing. Allele origin: germline. Observed: 2 variant alleles, 2 heterozygotes.

OMIM
Classification: Pathogenic for CHARGE SYNDROME. Last evaluated: 2004-09-01. Review status: no assertion criteria provided. Collection method: literature only. Allele origin: germline. Not counted in ClinVar's aggregate classification.

Department of Rehabilitation Medicine, Incheon St. Mary’s Hospital, College of Medicine, The Catholic University of Korea
Classification: Pathogenic for CHD7-related CHARGE syndrome. Review status: no assertion criteria provided. Collection method: clinical testing. Allele origin: de novo. Affected: yes. Not counted in ClinVar's aggregate classification.

Literature cited by the submitters: PubMed 15300250 (cited by 8 submitters); PubMed 16155193 (cited by 4 submitters); PubMed 16615981 (cited by 4 submitters); PubMed 21158681 (cited by 3 submitters); PubMed 21931733 (cited by 7 submitters); PubMed 22033296 (cited by 5 submitters); PubMed 29255276 (cited by 4 submitters); PubMed 25689927 (cited by Center for Genomic Medicine, Rigshospitalet, Copenhagen University Hospital); PubMed 22461308 (cited by Women's Health and Genetics/Laboratory Corporation of America, LabCorp); CHARGE Syndrome clinical diagnosis (cited by Laboratoire de Genetique Biologique, CHU de Poitiers).